The following is an entry in ClinVar:

NM_001127222.2(CACNA1A):c.3626G>A (p.Arg1209His)

Gene: CACNA1A (calcium voltage-gated channel subunit alpha1 A; minus strand). Cytogenetic location: 19p13.13.
Variant type: single nucleotide variant.
Coding change: c.3626G>A on transcript NM_001127222.2 (MANE Select); coding-DNA position 3626, G replaced by A.
Protein change: p.Arg1209His; replaces arginine 1209 with histidine.
Molecular consequence: missense variant.
Genome position (GRCh38, 1-based): chr19:13,285,134, C>T on the plus strand (G>A on the coding strand, the complement: CACNA1A is on the minus strand). VCF-style: chr19-13285134-C-T. GRCh37 (hg19) VCF-style: chr19-13395948-C-T.
Other names: c.3638G>A, p.Arg1213His (NM_000068.4, NM_023035.3); c.3629G>A, p.Arg1210His (NM_001127221.2, NM_001174080.2); short protein forms R1213H, R1210H, R1209H.
Identifiers: ClinVar variation 1043737 (VCV001043737.12), dbSNP rs374286965, ClinGen allele CA9240252.

ClinVar aggregate classification (germline): Conflicting classifications of pathogenicity. Review status: criteria provided, conflicting classifications (1 of 4 stars). 3 submissions from 3 submitters: Uncertain significance (2); Likely benign (1). Last evaluated 2025-05-01.

Conditions:
Developmental and epileptic encephalopathy, 42 (DEE42A). Also called: DEVELOPMENTAL AND EPILEPTIC ENCEPHALOPATHY 42A; EPILEPTIC ENCEPHALOPATHY, EARLY INFANTILE, 42A; Epileptic encephalopathy, early infantile, 42. Identifiers: MedGen C4310716, MONDO:0014917, OMIM 617106.
Episodic ataxia type 2 (EA2). Also called: CEREBELLAR ATAXIA, PAROXYSMAL, ACETAZOLAMIDE-RESPONSIVE; CEREBELLOPATHY, HEREDITARY PAROXYSMAL; EPISODIC ATAXIA, NYSTAGMUS-ASSOCIATED; ACETAZOLAMIDE-RESPONSIVE HEREDITARY PAROXYSMAL CEREBELLAR ATAXIA; ATAXIA, EPISODIC, WITH NYSTAGMUS; ATAXIA, FAMILIAL PAROXYSMAL. Identifiers: Orphanet 97, MedGen C1720416, MONDO:0007163, OMIM 108500.
Inborn genetic diseases. Identifiers: MedGen C0950123, MeSH D030342.

Allele frequency attached by ClinVar (database versions not stated): ESP Exome Variant Server 0.00008; TOPMed 0.00010.
gnomAD v4.1: 104 of 1,613,832 alleles (0.0064%); highest among the groups gnomAD compares: South Asian, 0.027%; 1 homozygote.

Submissions (3):

GeneDx
Classification: Uncertain significance. Last evaluated: 2025-05-01. Review status: criteria provided, single submitter. Criteria: GeneDx Variant Classification Process June 2021. Collection method: clinical testing. Allele origin: germline. Affected: yes.
Comment: In silico analysis indicates that this missense variant does not alter protein structure/function; Has not been previously published as pathogenic or benign to our knowledge

Labcorp Genetics (formerly Invitae), Labcorp
Classification: Likely benign for Developmental and epileptic encephalopathy, 42; Episodic ataxia type 2. Last evaluated: 2024-01-22. Review status: criteria provided, single submitter. Criteria: Invitae Variant Classification Sherloc (09022015). Collection method: clinical testing. Allele origin: germline.

Ambry Genetics
Classification: Uncertain significance for Inborn genetic diseases. Last evaluated: 2017-06-15. Review status: criteria provided, single submitter. Criteria: Ambry Variant Classification Scheme 2023. Collection method: clinical testing. Allele origin: germline.
Comment: The p.R1210H variant (also known as c.3629G>A), located in coding exon 21 of the CACNA1A gene, results from a G to A substitution at nucleotide position 3629. The arginine at codon 1210 is replaced by histidine, an amino acid with highly similar properties. This amino acid position is not well conserved in available vertebrate species. In addition, this alteration is predicted to be tolerated by in silico analysis. Since supporting evidence is limited at this time, the clinical significance of this alteration remains unclear.